The following is an entry in ClinVar:

NM_001110556.2(FLNA):c.3848G>A (p.Arg1283Gln)

Gene: FLNA (filamin A; minus strand). Cytogenetic location: Xq28.
Variant type: single nucleotide variant.
Coding change: c.3848G>A on transcript NM_001110556.2 (MANE Select); coding-DNA position 3848, G replaced by A.
Protein change: p.Arg1283Gln; replaces arginine 1283 with glutamine.
Molecular consequence: missense variant.
Genome position (GRCh38, 1-based): chrX:154,359,863, C>T on the plus strand (G>A on the coding strand, the complement: FLNA is on the minus strand). VCF-style: chrX-154359863-C-T. GRCh37 (hg19) VCF-style: chrX-153588231-C-T.
Other names: c.3848G>A, p.Arg1283Gln (NM_001456.4); short protein forms R1283Q.
Identifiers: ClinVar variation 2946712 (VCV002946712.3), dbSNP rs2522739857, ClinGen allele CA415222254.
Genomic context (GRCh38, chrX:154,359,863, plus strand): 5'-TTGCCTGAGGGGTTGGCCACACGGGCCTTGACGTGCGGCCCTCCGGTCTGTGTCAGAGCC[C>T]GGGCGTCCACACTGAACTCAGTGGTGGCCTCACGGAAGACACCTGCAAAGGCACAGAGAG-3'
Protein context (NP_001104026.1, residues 1273-1293): EATTEFSVDA[Arg1283Gln]ALTQTGGPHV

ClinVar aggregate classification (germline): Uncertain significance (1 of 4 stars; one submission).

Conditions:
Oto-palato-digital syndrome, type II (OPD2). Also called: FACIOPALATOOSSEOUS SYNDROME; OPD II SYNDROME; Otopalatodigital Syndrome, Type II; Otopalatodigital Syndrome Type 2 (FLNA-OPD2). Identifiers: Orphanet 669, Orphanet 90652, MedGen C1844696, MONDO:0010571, OMIM 304120.
Heterotopia, periventricular, X-linked dominant (PVNH1). Also called: PERIVENTRICULAR NODULAR HETEROTOPIA 1; X-linked periventricular heterotopia; PERIVENTRICULAR NODULAR HETEROTOPIA 4; HETEROTOPIA, PERIVENTRICULAR, 1. Identifiers: Orphanet 2149, Orphanet 82004, MedGen C1848213, MONDO:0010233, OMIM 300049.
Frontometaphyseal dysplasia (FMD1). Identifiers: Orphanet 1826, MedGen C0265293, MONDO:0015942.
Melnick-Needles syndrome (MNS). Also called: MELNICK-NEEDLES OSTEODYSPLASTY; OSTEODYSPLASTY OF MELNICK AND NEEDLES; Melnick-Needles Syndrome (FLNA-MNS). Identifiers: Orphanet 2484, MedGen C0025237, MONDO:0010650, OMIM 309350.

Allele frequency attached by ClinVar (database versions not stated): gnomAD exomes below 0.00001.
gnomAD v4.1: 4 of 1,210,991 alleles (0.00033%); highest among the groups gnomAD compares: Non-Finnish European, 0.00045%; no homozygotes.

Submission:

Labcorp Genetics (formerly Invitae), Labcorp
Classification: Uncertain significance for Oto-palato-digital syndrome, type II; Heterotopia, periventricular, X-linked dominant; Frontometaphyseal dysplasia; Melnick-Needles syndrome. Last evaluated: 2023-03-17. Review status: criteria provided, single submitter. Criteria: Invitae Variant Classification Sherloc (09022015). Collection method: clinical testing. Allele origin: germline.
Comment: This sequence change replaces arginine, which is basic and polar, with glutamine, which is neutral and polar, at codon 1283 of the FLNA protein (p.Arg1283Gln). This variant is not present in population databases (gnomAD no frequency). This variant has not been reported in the literature in individuals affected with FLNA-related conditions. In summary, the available evidence is currently insufficient to determine the role of this variant in disease. Therefore, it has been classified as a Variant of Uncertain Significance. Advanced modeling of protein sequence and biophysical properties (such as structural, functional, and spatial information, amino acid conservation, physicochemical variation, residue mobility, and thermodynamic stability) performed at Invitae indicates that this missense variant is not expected to disrupt FLNA protein function.